The following is an entry in ClinVar:

NM_001458.5(FLNC):c.1895C>A (p.Pro632His)

Gene: FLNC (filamin C; plus strand). Cytogenetic location: 7q32.1.
Variant type: single nucleotide variant.
Coding change: c.1895C>A on transcript NM_001458.5 (MANE Select); coding-DNA position 1895, C replaced by A.
Protein change: p.Pro632His; replaces proline 632 with histidine.
Molecular consequence: missense variant.
Genome position (GRCh38, 1-based): chr7:128,841,251, C>A. VCF-style: chr7-128841251-C-A. GRCh37 (hg19) VCF-style: chr7-128481305-C-A.
Other names: c.1895C>A, p.Pro632His (NM_001127487.2); short protein forms P632H.
Identifiers: ClinVar variation 1383705 (VCV001383705.10), dbSNP rs1482049894, ClinGen allele CA369227310.

ClinVar aggregate classification (germline): Uncertain significance. Review status: criteria provided, multiple submitters, no conflicts (2 of 4 stars). 2 submissions from 2 submitters: Uncertain significance (2). Last evaluated 2026-02-01.

Conditions:
Hypertrophic cardiomyopathy 26. Also called: Cardiomyopathy, familial hypertrophic, 26. Identifiers: Orphanet 75249, MedGen C4310749, MONDO:0014883, OMIM 617047.
Distal myopathy with posterior leg and anterior hand involvement. Also called: WILLIAMS DISTAL MYOPATHY. Identifiers: Orphanet 63273, MedGen C3279722, MONDO:0013550, OMIM 614065.
Myofibrillar myopathy 5. Also called: Filaminopathy (type); FILAMINOPATHY, AUTOSOMAL DOMINANT. Identifiers: Orphanet 171445, MedGen C1836050, MONDO:0012289, OMIM 609524.

Submissions (2):

CeGaT Center for Human Genetics Tuebingen
Classification: Uncertain significance. Last evaluated: 2026-02-01. Review status: criteria provided, single submitter. Criteria: CeGaT Center For Human Genetics Tuebingen Variant Classification Criteria Version 2. Collection method: clinical testing. Allele origin: germline. Affected: yes. Observed: 1 variant allele.
Comment: FLNC: PM2, PP3

Labcorp Genetics (formerly Invitae), Labcorp
Classification: Uncertain significance for Distal myopathy with posterior leg and anterior hand involvement; Myofibrillar myopathy 5; Hypertrophic cardiomyopathy 26. Last evaluated: 2024-10-15. Review status: criteria provided, single submitter. Criteria: Invitae Variant Classification Sherloc (09022015). Collection method: clinical testing. Allele origin: germline.
Comment: This sequence change replaces proline, which is neutral and non-polar, with histidine, which is basic and polar, at codon 632 of the FLNC protein (p.Pro632His). This variant is not present in population databases (gnomAD no frequency). This variant has not been reported in the literature in individuals affected with FLNC-related conditions. ClinVar contains an entry for this variant (Variation ID: 1383705). Invitae Evidence Modeling of protein sequence and biophysical properties (such as structural, functional, and spatial information, amino acid conservation, physicochemical variation, residue mobility, and thermodynamic stability) has been performed for this missense variant. However, the output from this modeling did not meet the statistical confidence thresholds required to predict the impact of this variant on FLNC protein function. In summary, the available evidence is currently insufficient to determine the role of this variant in disease. Therefore, it has been classified as a Variant of Uncertain Significance.